The following is an entry in ClinVar:

ClinVar aggregate classification (germline): Likely benign (1 of 4 stars; one submission).

Submission:

CeGaT Center for Human Genetics Tuebingen
Classification: Likely benign. Last evaluated: 2024-10-01. Review status: criteria provided, single submitter. Criteria: CeGaT Center For Human Genetics Tuebingen Variant Classification Criteria Version 2. Collection method: clinical testing. Allele origin: germline. Affected: yes. Observed: 1 variant allele.
Comment: PRX: PM2:Supporting, BP4, BP7

NM_181882.3(PRX):c.-211A>C

Gene: PRX (periaxin; minus strand). Cytogenetic location: 19q13.2.
Variant type: single nucleotide variant.
Coding change: c.-211A>C on transcript NM_181882.3 (MANE Select); 211 bases upstream of the start codon, A replaced by C.
Molecular consequence: 5 prime UTR variant. On other transcripts: synonymous variant (1).
Genome position (GRCh38, 1-based): chr19:40,408,352, T>G on the plus strand (A>C on the coding strand, the complement: PRX is on the minus strand). VCF-style: chr19-40408352-T-G. GRCh37 (hg19) VCF-style: chr19-40914259-T-G.
Other names: c.75A>C, p.Gly25= (NM_001411127.1); c.-211A>C (NM_020956.2).
Identifiers: ClinVar variation 3389878 (VCV003389878.14).
Genomic context (GRCh38, chr19:40,408,352, plus strand): 5'-AGGCGAGGAAGGGGTGGGGAGGGGCATATGGCACCAGCCTGCGCTCACCTGAGGGTCACC[T>G]CCAGCTCCTTGGGCCTCCTGGGTCCGGCGCTCTAAGAAGAATAATGTGAGCAGTGTTATT-3'